The following is an entry in ClinVar:

NM_018897.3(DNAH7):c.20A>T (p.Lys7Ile)

Gene: DNAH7 (dynein axonemal heavy chain 7; minus strand). Cytogenetic location: 2q32.3.
Variant type: single nucleotide variant.
Coding change: c.20A>T on transcript NM_018897.3 (MANE Select); coding-DNA position 20, A replaced by T.
Protein change: p.Lys7Ile; replaces lysine 7 with isoleucine.
Molecular consequence: missense variant.
Genome position (GRCh38, 1-based): chr2:196,058,112, T>A on the plus strand (A>T on the coding strand, the complement: DNAH7 is on the minus strand). VCF-style: chr2-196058112-T-A. GRCh37 (hg19) VCF-style: chr2-196922836-T-A.
Other names: short protein forms K7I.
Identifiers: ClinVar variation 3770385 (VCV003770385.13).

ClinVar aggregate classification (germline): Benign (1 of 4 stars; one submission).

gnomAD v4.1: 21,026 of 1,584,364 alleles (1.3%); highest among the groups gnomAD compares: Non-Finnish European, 1.5%; 218 homozygotes.

Submission:

CeGaT Center for Human Genetics Tuebingen
Classification: Benign. Last evaluated: 2025-01-01. Review status: criteria provided, single submitter. Criteria: CeGaT Center For Human Genetics Tuebingen Variant Classification Criteria Version 2. Collection method: clinical testing. Allele origin: germline. Affected: yes. Observed: 1 variant allele.
Comment: DNAH7: BP4, BS1, BS2